The following is an entry in ClinVar:

ClinVar aggregate classification (germline): Uncertain significance (1 of 4 stars; one submission).

Submission:

Mayo Clinic Laboratories, Mayo Clinic
Classification: Uncertain significance. Last evaluated: 2025-05-06. Review status: criteria provided, single submitter. Criteria: ACMG Guidelines, 2015. Collection method: clinical testing. Allele origin: germline. Observed: 1 variant allele.
Comment: BP4_moderate, PM2_supporting

NM_000463.3(UGT1A1):c.282T>G (p.Ser94Arg)

Genes: UGT1A (UDP glucuronosyltransferase family 1 member A complex locus; plus strand), UGT1A1 (UDP glucuronosyltransferase family 1 member A1; plus strand), UGT1A10 (UDP glucuronosyltransferase family 1 member A10; plus strand), UGT1A3 (UDP glucuronosyltransferase family 1 member A3; plus strand), UGT1A4 (UDP glucuronosyltransferase family 1 member A4; plus strand) and 5 more. Cytogenetic location: 2q37.1.
Variant type: single nucleotide variant.
Coding change: c.282T>G on transcript NM_000463.3 (MANE Select); coding-DNA position 282, T replaced by G.
Protein change: p.Ser94Arg; replaces serine 94 with arginine.
Molecular consequence: missense variant. On other transcripts: intron variant (9).
Genome position (GRCh38, 1-based): chr2:233,760,569, T>G. VCF-style: chr2-233760569-T-G. GRCh37 (hg19) VCF-style: chr2-234669215-T-G.
Other names: p.Ser94Arg; c.856-6465T>G (NM_019076.5, NM_019075.4, NM_021027.3 and 1 more transcripts); c.61-6465T>G (NM_205862.3); c.862-6465T>G (NM_001072.4); c.868-6465T>G (NM_019078.2, NM_007120.3, NM_019093.4); short protein forms S94R.
Identifiers: ClinVar variation 4540827 (VCV004540827.1).